The following is an entry in ClinVar:

ClinVar aggregate classification (germline): Uncertain significance. Review status: criteria provided, multiple submitters, no conflicts (2 of 4 stars). 10 submissions from 9 submitters: Uncertain significance (8). 2 of the submissions do not count toward it. Last evaluated 2024-09-26.

Conditions:
Usher syndrome type 1 (USH1). Also called: RETINITIS PIGMENTOSA AND CONGENITAL DEAFNESS. Identifiers: Orphanet 231169, Orphanet 886, MedGen C1568247, MONDO:0010168, OMIM 276900.
Autosomal recessive nonsyndromic hearing loss 12. Also called: DEAFNESS, AUTOSOMAL RECESSIVE 12. Identifiers: Orphanet 90636, MedGen C1832394, MONDO:0011067, OMIM 601386.
Retinal dystrophy. Also called: Inherited retinal dystrophy. Identifiers: Orphanet 71862, MedGen C0854723, MeSH D058499, MONDO:0019118, HP:0000556.
Usher syndrome type 1D (USH1D). Also called: USHER SYNDROME, TYPE ID. Identifiers: Orphanet 231169, Orphanet 886, MedGen C1832845, MONDO:0010984, OMIM 601067.
Hearing impairment. Also called: Impaired Hearing. Identifiers: MedGen C1384666, MONDO:0005365, HP:0000365.

Allele frequency attached by ClinVar (database versions not stated): ESP Exome Variant Server 0.00008; TOPMed 0.00017; gnomAD 0.00018 and 0.00019; ExAC 0.00019; 1000 Genomes Project 0.00020; gnomAD exomes 0.00021 and 0.00030; 1000 Genomes Project 30x 0.00031.
gnomAD v4.1: 473 of 1,611,268 alleles (0.029%); highest among the groups gnomAD compares: Middle Eastern, 0.099%; no homozygotes.

Submissions (10):

GeneDx
Classification: Uncertain significance. Last evaluated: 2024-09-26. Review status: criteria provided, single submitter. Criteria: GeneDx Variant Classification Process June 2021. Collection method: clinical testing. Allele origin: germline. Affected: yes.
Comment: Reported in a patient with bilateral sensorineural hearing loss in published literature, however a second CDH23 variant was not identified (PMID: 34753855); In silico analysis indicates that this missense variant does not alter protein structure/function; This variant is associated with the following publications: (PMID: 34753855)

Blueprint Genetics
Classification: Uncertain significance. Last evaluated: 2024-09-11. Review status: criteria provided, single submitter. Criteria: ACMG Guidelines, 2015. Collection method: clinical testing. Allele origin: germline.

Labcorp Genetics (formerly Invitae), Labcorp
Classification: Uncertain significance. Last evaluated: 2022-09-13. Review status: criteria provided, single submitter. Criteria: Invitae Variant Classification Sherloc (09022015). Collection method: clinical testing. Allele origin: germline.
Comment: This sequence change replaces arginine, which is basic and polar, with cysteine, which is neutral and slightly polar, at codon 3310 of the CDH23 protein (p.Arg3310Cys). This variant is present in population databases (rs200124827, gnomAD 0.03%). This variant has not been reported in the literature in individuals affected with CDH23-related conditions. ClinVar contains an entry for this variant (Variation ID: 546270). Advanced modeling of protein sequence and biophysical properties (such as structural, functional, and spatial information, amino acid conservation, physicochemical variation, residue mobility, and thermodynamic stability) performed at Invitae indicates that this missense variant is not expected to disrupt CDH23 protein function. In summary, the available evidence is currently insufficient to determine the role of this variant in disease. Therefore, it has been classified as a Variant of Uncertain Significance.

Genome-Nilou Lab
Classification: Uncertain significance for Usher syndrome type 1D. Last evaluated: 2021-06-10. Review status: criteria provided, single submitter. Criteria: ACMG Guidelines, 2015. Collection method: clinical testing. Allele origin: germline. Affected: no.

Department of Otolaryngology – Head & Neck Surgery, Cochlear Implant Center
Classification: Uncertain significance for Hearing impairment. Last evaluated: 2021-04-12. Review status: criteria provided, single submitter. Criteria: ClinGen HL ACMG Specifications v1. Collection method: clinical testing. Allele origin: germline. Affected: yes.
Comment: PM2_Supporting, PP3_Supporting

Illumina Laboratory Services, Illumina
Classification: Uncertain significance for Usher syndrome type 1D. Last evaluated: 2018-01-13. Review status: criteria provided, single submitter. Criteria: ICSL Variant Classification Criteria 13 December 2019. Collection method: clinical testing. Allele origin: germline.

Illumina Laboratory Services, Illumina
Classification: Uncertain significance for Autosomal recessive nonsyndromic hearing loss 12. Last evaluated: 2018-01-13. Review status: criteria provided, single submitter. Criteria: ICSL Variant Classification Criteria 13 December 2019. Collection method: clinical testing. Allele origin: germline.

Breakthrough Genomics
Classification: Uncertain significance. Review status: criteria provided, single submitter. Criteria: ACMG Guidelines, 2015. Collection method: not provided. Allele origin: germline. Inheritance: Autosomal recessive inheritance. Affected: yes.

Institute of Human Genetics, Univ. Regensburg, Univ. Regensburg
Classification: Uncertain significance for Retinal dystrophy. Last evaluated: 2022-01-01. Review status: no assertion criteria provided. Criteria: ACMG Guidelines, 2015. Collection method: clinical testing. Allele origin: germline. Affected: yes. Not counted in ClinVar's aggregate classification.

Natera, Inc.
Classification: Uncertain significance for Usher syndrome type 1. Last evaluated: 2019-10-28. Review status: no assertion criteria provided. Collection method: clinical testing. Allele origin: germline. Not counted in ClinVar's aggregate classification.

NM_022124.6(CDH23):c.9928C>T (p.Arg3310Cys)

Gene: CDH23 (cadherin related 23; plus strand). Cytogenetic location: 10q22.1.
Variant type: single nucleotide variant.
Coding change: c.9928C>T on transcript NM_022124.6 (MANE Select); coding-DNA position 9928, C replaced by T.
Protein change: p.Arg3310Cys; replaces arginine 3310 with cysteine.
Molecular consequence: missense variant.
Genome position (GRCh38, 1-based): chr10:71,815,141, C>T. VCF-style: chr10-71815141-C-T. GRCh37 (hg19) VCF-style: chr10-73574898-C-T.
Other names: c.3208C>T, p.Arg1070Cys (NM_001171933.1); c.3103C>T, p.Arg1035Cys (NM_001171934.1); c.619C>T, p.Arg207Cys (NM_001171935.1); c.514C>T, p.Arg172Cys (NM_001171936.1); short protein forms R3310C, R1035C, R172C, R207C, R1070C.
Identifiers: ClinVar variation 546270 (VCV000546270.19), dbSNP rs200124827, ClinGen allele CA5547215.